The following is an entry in ClinVar:

NM_001039141.3(TRIOBP):c.4139A>G (p.Glu1380Gly)

Gene: TRIOBP (TRIO and F-actin binding protein; plus strand). Cytogenetic location: 22q13.1.
Variant type: single nucleotide variant.
Coding change: c.4139A>G on transcript NM_001039141.3 (MANE Select); coding-DNA position 4139, A replaced by G.
Protein change: p.Glu1380Gly; replaces glutamic acid 1380 with glycine.
Molecular consequence: missense variant.
Genome position (GRCh38, 1-based): chr22:37,734,475, A>G. VCF-style: chr22-37734475-A-G. GRCh37 (hg19) VCF-style: chr22-38130482-A-G.
Other names: short protein forms E1380G.
Identifiers: ClinVar variation 178555 (VCV000178555.24), dbSNP rs202059880, ClinGen allele CA182548.
Genomic context (GRCh38, chr22:37,734,475, plus strand): 5'-CCAAACAGGCAGAACTGACCCGGCGGAGCCAAGCAGAGCCCCCTCATCCTTGGAGTCCTG[A>G]GAAGAGACCTGAGGGAGATCGGCAGCTCCAGGGGTCCCCGCTGCCCCCCAGGACATCAGC-3'
Protein context (NP_001034230.1, residues 1370-1390): QAEPPHPWSP[Glu1380Gly]KRPEGDRQLQ

ClinVar aggregate classification (germline): Benign/Likely benign. Review status: criteria provided, multiple submitters, no conflicts (2 of 4 stars). 8 submissions from 8 submitters: Benign (1); Likely benign (6). 1 of the submissions does not count toward it. Last evaluated 2026-02-01.

Conditions:
TRIOBP-related disorder. Also called: TRIOBP-related condition.

Allele frequency attached by ClinVar (database versions not stated): gnomAD exomes 0.00009 and 0.00028; ExAC 0.00034; 1000 Genomes Project 0.00040; 1000 Genomes Project 30x 0.00047; ESP Exome Variant Server 0.00099; gnomAD 0.00120 and 0.00133; TOPMed 0.00139.
gnomAD v4.1: 318 of 1,612,726 alleles (0.02%); highest among the groups gnomAD compares: African/African-American, 0.39%; 1 homozygote.

Submissions (8):

Labcorp Genetics (formerly Invitae), Labcorp
Classification: Benign. Last evaluated: 2026-02-01. Review status: criteria provided, single submitter. Criteria: Invitae Variant Classification Sherloc (09022015). Collection method: clinical testing. Allele origin: germline.

Women's Health and Genetics/Laboratory Corporation of America, LabCorp
Classification: Likely benign. Last evaluated: 2025-02-19. Review status: criteria provided, single submitter. Criteria: LabCorp Variant Classification Summary - May 2015. Collection method: clinical testing. Allele origin: germline.
Comment: Variant summary: TRIOBP c.4139A>G (p.Glu1380Gly) results in a non-conservative amino acid change in the encoded protein sequence. Three of five in-silico tools predict a benign effect of the variant on protein function. The variant allele was found at a frequency of 0.00028 in 246434 control chromosomes, predominantly at a frequency of 0.0043 within the African or African-American subpopulation in the gnomAD database. The observed variant frequency within African or African-American control individuals in the gnomAD database exceeds the estimated maximal expected allele frequency for a pathogenic variant in TRIOBP causing Autosomal Recessive Nonsyndromic Hearing Loss 28 phenotype. To our knowledge, no occurrence of c.4139A>G in individuals affected with Autosomal Recessive Nonsyndromic Hearing Loss 28 and no experimental evidence demonstrating its impact on protein function have been reported. ClinVar contains an entry for this variant (Variation ID: 178555). Based on the evidence outlined above, the variant was classified as likely benign.

Blueprint Genetics
Classification: Likely benign. Last evaluated: 2024-11-26. Review status: criteria provided, single submitter. Criteria: ACMG Guidelines, 2015. Collection method: clinical testing. Allele origin: germline.

GeneDx
Classification: Likely benign. Last evaluated: 2021-02-02. Review status: criteria provided, single submitter. Criteria: GeneDx Variant Classification Process June 2021. Collection method: clinical testing. Allele origin: germline. Affected: yes.

Eurofins Ntd Llc (ga)
Classification: Likely benign. Last evaluated: 2016-07-28. Review status: criteria provided, single submitter. Criteria: EGL Classification Definitions 2015. Collection method: clinical testing. Allele origin: germline. Observed: 1 variant allele, 1 heterozygote.

Laboratory for Molecular Medicine, Mass General Brigham Personalized Medicine
Classification: Likely benign. Last evaluated: 2015-07-21. Review status: criteria provided, single submitter. Criteria: LMM Criteria. Collection method: clinical testing. Allele origin: germline. Observed: 2 variant alleles.
Comment: p.Glu1380Gly in exon 9 of TRIOBP: This variant is not expected to have clinical significance because it has been identified in 0.4% (36/8730) of African chromos omes by the Exome Aggregation Consortium (ExAC; dbSNP rs202059880).

Breakthrough Genomics
Classification: Likely benign. Review status: criteria provided, single submitter. Criteria: ACMG Guidelines, 2015. Collection method: not provided. Allele origin: germline. Inheritance: Autosomal recessive inheritance. Affected: yes.

PreventionGenetics, part of Exact Sciences
Classification: Likely benign for TRIOBP-related condition. Last evaluated: 2020-10-05. Review status: no assertion criteria provided. Collection method: clinical testing. Allele origin: germline. Not counted in ClinVar's aggregate classification.
Comment: This variant is classified as likely benign based on ACMG/AMP sequence variant interpretation guidelines (Richards et al. 2015 PMID: 25741868, with internal and published modifications).